The following is an entry in ClinVar:

ClinVar aggregate classification (germline): Uncertain significance (1 of 4 stars; one submission).

Allele frequency attached by ClinVar (database versions not stated): gnomAD exomes 0.00004 and 0.00006; TOPMed 0.00004; gnomAD 0.00005.
gnomAD v4.1: 56 of 1,403,762 alleles (0.004%); highest among the groups gnomAD compares: Admixed American, 0.014%; no homozygotes.

Submission:

Labcorp Genetics (formerly Invitae), Labcorp
Classification: Uncertain significance. Last evaluated: 2022-05-06. Review status: criteria provided, single submitter. Criteria: Invitae Variant Classification Sherloc (09022015). Collection method: clinical testing. Allele origin: germline.
Comment: This sequence change replaces proline, which is neutral and non-polar, with leucine, which is neutral and non-polar, at codon 2025 of the SPEG protein (p.Pro2025Leu). This variant is present in population databases (no rsID available, gnomAD 0.02%). This variant has not been reported in the literature in individuals affected with SPEG-related conditions. Algorithms developed to predict the effect of missense changes on protein structure and function output the following: SIFT: "Deleterious"; PolyPhen-2: "Benign"; Align-GVGD: "Class C0". The leucine amino acid residue is found in multiple mammalian species, which suggests that this missense change does not adversely affect protein function. In summary, the available evidence is currently insufficient to determine the role of this variant in disease. Therefore, it has been classified as a Variant of Uncertain Significance.

NM_005876.5(SPEG):c.6074C>T (p.Pro2025Leu)

Genes: ASIC4-AS1 (ASIC4 antisense RNA 1; minus strand), SPEG (striated muscle enriched protein kinase; plus strand). Cytogenetic location: 2q35.
Variant type: single nucleotide variant.
Coding change: c.6074C>T on transcript NM_005876.5 (MANE Select); coding-DNA position 6074, C replaced by T.
Protein change: p.Pro2025Leu; replaces proline 2025 with leucine.
Molecular consequence: missense variant.
Genome position (GRCh38, 1-based): chr2:219,483,537, C>T. VCF-style: chr2-219483537-C-T. GRCh37 (hg19) VCF-style: chr2-220348259-C-T.
Other names: short protein forms P2025L.
Identifiers: ClinVar variation 1502454 (VCV001502454.3), dbSNP rs999583066, ClinGen allele CA65990538.